The following is an entry in ClinVar:

ClinVar aggregate classification (germline): Likely pathogenic (1 of 4 stars; one submission).

Conditions:
Hereditary cancer-predisposing syndrome. Also called: Neoplastic Syndromes, Hereditary; Tumor predisposition; Hereditary neoplastic syndrome; Hereditary Cancer Syndrome. Identifiers: Orphanet 140162, MedGen C0027672, MeSH D009386, MONDO:0015356.
Cardiovascular phenotype. Identifiers: MedGen CN230736.

Submission:

Ambry Genetics
Classification: Likely pathogenic for Cardiovascular phenotype; Hereditary cancer-predisposing syndrome. Last evaluated: 2019-07-25. Review status: criteria provided, single submitter. Criteria: Ambry Variant Classification Scheme 2023. Collection method: clinical testing. Allele origin: germline.
Comment: The c.5944-2_5944delAGA variant, located in intron 39 spanning into coding exon 40 of the NF1 gene, results from a deletion of three nucleotides: two nucleotides upstream of coding exon 40 and the first nucleotide of exon 40. Using the BDGP and ESEfinder splice site prediction tools, this alteration is predicted to abolish the native splice acceptor site, with an alternate acceptor site created 7 nucleotides downstream resulting in a translational frameshift with a predicted alternate stop codon; however, direct evidence is unavailable. A close-match alteration, NF1 c.5944-1G>C, which is predicted to have the same splice defect, has been identified in multiple patients meeting clinical diagnostic criteria for neurofibromatosis type 1 (Mattocks C et al. J Med Genet. 2004 Apr;41(4):e48; Ambry internal data). Alterations that disrupt the canonical splice site are expected to cause aberrant splicing, resulting in an abnormal protein or a transcript that is subject to nonsense-mediated mRNA decay. Based on the majority of available evidence to date, this alteration is classified as likely pathogenic.

NM_001042492.3(NF1):c.6007-2_6007del

Gene: NF1 (neurofibromin 1; plus strand). Cytogenetic location: 17q11.2.
Variant type: Deletion.
Coding change: c.6007-2_6007del on transcript NM_001042492.3 (MANE Select); the canonical splice acceptor site of the intron before coding-DNA position 6007 through coding-DNA position 6007, 3 bases deleted (AGA; older notation c.6007-2_6007delAGA).
Molecular consequence: splice acceptor variant.
Genome position (GRCh38, 1-based): chr17:31,336,331-31,336,333, AGA deleted. VCF-style (leftmost placement, unchanged base first): chr17-31336330-TAGA-T. GRCh37 (hg19) VCF-style: chr17-29663348-TAGA-T.
Other names: c.5944-2_5944delAGA (NM_000267.3); c.5944-2_5944del (NM_000267.4).
Identifiers: ClinVar variation 826069 (VCV000826069.4), dbSNP rs1597842196, ClinGen allele CA915949893.